The following is an entry in ClinVar:

ClinVar aggregate classification (germline): Uncertain significance. Review status: criteria provided, multiple submitters, no conflicts (2 of 4 stars). 3 submissions from 3 submitters: Uncertain significance (3). Last evaluated 2024-08-05.

Conditions:
Primary ciliary dyskinesia. Also called: Ciliary dyskinesia. Identifiers: Orphanet 244, MedGen C0008780, MONDO:0016575, HP:0012265.
Primary ciliary dyskinesia 15. Also called: CILIARY DYSKINESIA, PRIMARY, 15, WITH OR WITHOUT SITUS INVERSUS. Identifiers: Orphanet 244, MedGen C3151137, MONDO:0013435, OMIM 613808.

Allele frequency attached by ClinVar (database versions not stated): gnomAD exomes 0.00001 and 0.00002; ExAC 0.00002; gnomAD 0.00007; TOPMed 0.00008.
gnomAD v4.1: 21 of 1,611,900 alleles (0.0013%); highest among the groups gnomAD compares: African/African-American, 0.025%; no homozygotes.

Submissions (3):

Ambry Genetics
Classification: Uncertain significance for Primary ciliary dyskinesia. Last evaluated: 2024-08-05. Review status: criteria provided, single submitter. Criteria: Ambry Variant Classification Scheme 2023. Collection method: clinical testing. Allele origin: germline.

Labcorp Genetics (formerly Invitae), Labcorp
Classification: Uncertain significance for Primary ciliary dyskinesia. Last evaluated: 2021-10-14. Review status: criteria provided, single submitter. Criteria: Invitae Variant Classification Sherloc (09022015). Collection method: clinical testing. Allele origin: germline.
Comment: This variant is present in population databases (rs780626544, ExAC 0.03%). This sequence change replaces methionine with threonine at codon 808 of the CCDC40 protein (p.Met808Thr). The methionine residue is moderately conserved and there is a moderate physicochemical difference between methionine and threonine. This variant has not been reported in the literature in individuals affected with CCDC40-related conditions. In summary, the available evidence is currently insufficient to determine the role of this variant in disease. Therefore, it has been classified as a Variant of Uncertain Significance. Algorithms developed to predict the effect of missense changes on protein structure and function are either unavailable or do not agree on the potential impact of this missense change (SIFT: "Deleterious"; PolyPhen-2: "Possibly Damaging"; Align-GVGD: "Class C0").

Revvity Omics, Revvity
Classification: Uncertain significance for Primary ciliary dyskinesia 15. Last evaluated: 2021-07-29. Review status: criteria provided, single submitter. Criteria: ACMG Guidelines, 2015. Collection method: clinical testing. Allele origin: germline.

NM_017950.4(CCDC40):c.2423T>C (p.Met808Thr)

Gene: CCDC40 (coiled-coil domain 40 molecular ruler complex subunit; plus strand). Cytogenetic location: 17q25.3.
Variant type: single nucleotide variant.
Coding change: c.2423T>C on transcript NM_017950.4 (MANE Select); coding-DNA position 2423, T replaced by C.
Protein change: p.Met808Thr; replaces methionine 808 with threonine.
Molecular consequence: missense variant.
Genome position (GRCh38, 1-based): chr17:80,086,190, T>C. VCF-style: chr17-80086190-T-C. GRCh37 (hg19) VCF-style: chr17-78059989-T-C.
Other names: c.2423T>C (NM_017950.3); c.2423T>C, p.Met808Thr (NM_001243342.2); short protein forms M808T.
Identifiers: ClinVar variation 1397000 (VCV001397000.10), dbSNP rs780626544, ClinGen allele CA8814191.